The following is an entry in ClinVar:

NM_020778.5(ALPK3):c.692A>G (p.Gln231Arg)

Gene: ALPK3 (alpha kinase 3; plus strand). Cytogenetic location: 15q25.3.
Variant type: single nucleotide variant.
Coding change: c.692A>G on transcript NM_020778.5 (MANE Select); coding-DNA position 692, A replaced by G.
Protein change: p.Gln231Arg; replaces glutamine 231 with arginine.
Molecular consequence: missense variant.
Genome position (GRCh38, 1-based): chr15:84,839,971, A>G. VCF-style: chr15-84839971-A-G. GRCh37 (hg19) VCF-style: chr15-85383202-A-G.
Other names: short protein forms Q231R.
Identifiers: ClinVar variation 1388457 (VCV001388457.6), dbSNP rs964593614, ClinGen allele CA273665320.
Genomic context (GRCh38, chr15:84,839,971, plus strand): 5'-ACACTCTGCGCAAGCTCAGCCCCGACCGCTTCCAGCGAAAGCGGCGATTGAGCGGGGCTC[A>G]AGCGCCGGGCCCCTCGGTCCCTACCAGGGAGCCTGAGGGTGGGACCCTGGCGGCTTGGCA-3'
Protein context (NP_065829.4, residues 221-241): FQRKRRLSGA[Gln231Arg]APGPSVPTRE

ClinVar aggregate classification (germline): Uncertain significance (1 of 4 stars; one submission).

Allele frequency attached by ClinVar (database versions not stated): gnomAD exomes below 0.00001.
gnomAD v4.1: 1 of 1,612,974 alleles (0.000062%); highest among the groups gnomAD compares: South Asian, 0.0011%; no homozygotes.

Submission:

Labcorp Genetics (formerly Invitae), Labcorp
Classification: Uncertain significance. Last evaluated: 2021-08-19. Review status: criteria provided, single submitter. Criteria: Invitae Variant Classification Sherloc (09022015). Collection method: clinical testing. Allele origin: germline.
Comment: In summary, the available evidence is currently insufficient to determine the role of this variant in disease. Therefore, it has been classified as a Variant of Uncertain Significance. Algorithms developed to predict the effect of missense changes on protein structure and function output the following: SIFT: "Tolerated"; PolyPhen-2: "Benign"; Align-GVGD: "Class C0". The arginine amino acid residue is found in multiple mammalian species, which suggests that this missense change does not adversely affect protein function. This variant has not been reported in the literature in individuals affected with ALPK3-related conditions. This variant is not present in population databases (ExAC no frequency). This sequence change replaces glutamine with arginine at codon 433 of the ALPK3 protein (p.Gln433Arg). The glutamine residue is weakly conserved and there is a small physicochemical difference between glutamine and arginine.